The following is an entry in ClinVar:

NM_000372.5(TYR):c.947C>A (p.Ala316Asp)

Gene: TYR (tyrosinase; plus strand). Cytogenetic location: 11q14.3.
Variant type: single nucleotide variant.
Coding change: c.947C>A on transcript NM_000372.5 (MANE Select); coding-DNA position 947, C replaced by A.
Protein change: p.Ala316Asp; replaces alanine 316 with aspartic acid.
Molecular consequence: missense variant.
Genome position (GRCh38, 1-based): chr11:89,191,329, C>A. VCF-style: chr11-89191329-C-A. GRCh37 (hg19) VCF-style: chr11-88924497-C-A.
Other names: short protein forms A316D.
Identifiers: ClinVar variation 1921576 (VCV001921576.4), dbSNP rs2496552812, ClinGen allele CA382035926.
Genomic context (GRCh38, chr11:89,191,329, plus strand): 5'-CTTTACGGCGTAATCCTGGAAACCATGACAAATCCAGAACCCCAAGGCTCCCCTCTTCAG[C>A]TGATGTAGAATTTTGCCTGAGTTTGACCCAATATGAATCTGGTTCCATGGATAAAGCTGC-3'
Protein context (NP_000363.1, residues 306-326): KSRTPRLPSS[Ala316Asp]DVEFCLSLTQ

ClinVar aggregate classification (germline): Uncertain significance (1 of 4 stars; one submission).

Allele frequency attached by ClinVar (database versions not stated): gnomAD exomes below 0.00001.

Submission:

Labcorp Genetics (formerly Invitae), Labcorp
Classification: Uncertain significance. Last evaluated: 2024-10-29. Review status: criteria provided, single submitter. Criteria: Invitae Variant Classification Sherloc (09022015). Collection method: clinical testing. Allele origin: germline.
Comment: This sequence change replaces alanine, which is neutral and non-polar, with aspartic acid, which is acidic and polar, at codon 316 of the TYR protein (p.Ala316Asp). This variant is not present in population databases (gnomAD no frequency). This variant has not been reported in the literature in individuals affected with TYR-related conditions. ClinVar contains an entry for this variant (Variation ID: 1921576). An algorithm developed to predict the effect of missense changes on protein structure and function outputs the following: PolyPhen-2: "Benign". The aspartic acid amino acid residue is found in multiple mammalian species, which suggests that this missense change does not adversely affect protein function. In summary, the available evidence is currently insufficient to determine the role of this variant in disease. Therefore, it has been classified as a Variant of Uncertain Significance.